The following is an entry in ClinVar:

ClinVar aggregate classification (germline): Likely benign. Review status: criteria provided, multiple submitters, no conflicts (2 of 4 stars). 3 submissions from 3 submitters: Likely benign (3). Last evaluated 2024-11-25.

Conditions:
Polycystic kidney disease, adult type (PKD1). Also called: Polycystic Kidney Disease 1, Autosomal Dominant; Polycystic kidney disease 1; Polycystic kidney disease 1, severe; Polycystic Kidney, Autosomal Dominant; POLYCYSTIC KIDNEY DISEASE 1 WITH OR WITHOUT POLYCYSTIC LIVER DISEASE; POLYCYSTIC KIDNEY DISEASE, ADULT, TYPE I. Identifiers: MedGen C3149841, MONDO:0008263, OMIM 173900.
PKD1-related disorder. Also called: PKD1-related condition.

Allele frequency attached by ClinVar (database versions not stated): 1000 Genomes Project 0.00040; 1000 Genomes Project 30x 0.00062; ExAC 0.00013; gnomAD exomes 0.00015.

Submissions (3):

PreventionGenetics, part of Exact Sciences
Classification: Likely benign for PKD1-related condition. Last evaluated: 2024-11-25. Review status: criteria provided, single submitter. Criteria: ACMG Guidelines, 2015. Collection method: clinical testing. Allele origin: germline.
Comment: This variant is classified as likely benign based on ACMG/AMP sequence variant interpretation guidelines (Richards et al. 2015 PMID: 25741868, with internal and published modifications).

Fulgent Genetics
Classification: Likely benign for Polycystic kidney disease, adult type. Last evaluated: 2021-12-15. Review status: criteria provided, single submitter. Criteria: ACMG Guidelines, 2015. Collection method: clinical testing. Allele origin: unknown.

GeneDx
Classification: Likely benign. Last evaluated: 2020-11-24. Review status: criteria provided, single submitter. Criteria: GeneDx Variant Classification Process June 2021. Collection method: clinical testing. Allele origin: germline. Affected: yes.

NM_001009944.3(PKD1):c.8176C>T (p.Leu2726=)

Gene: PKD1 (polycystin 1, transient receptor potential channel interacting; minus strand). Cytogenetic location: 16p13.3.
Variant type: single nucleotide variant.
Coding change: c.8176C>T on transcript NM_001009944.3 (MANE Select); coding-DNA position 8176, C replaced by T.
Protein change: p.Leu2726=; no amino-acid change (leucine 2726 retained).
Molecular consequence: synonymous variant.
Genome position (GRCh38, 1-based): chr16:2,103,881, G>A on the plus strand (C>T on the coding strand, the complement: PKD1 is on the minus strand). VCF-style: chr16-2103881-G-A. GRCh37 (hg19) VCF-style: chr16-2153882-G-A.
Other names: c.8176C>T, p.Leu2726= (NM_000296.4).
Identifiers: ClinVar variation 1199491 (VCV001199491.5), dbSNP rs573754849, ClinGen allele CA7830629.
Genomic context (GRCh38, chr16:2,103,881, plus strand): 5'-GAGATGGTGACTCGGCTCCCAGCTCTGAGGGCTGTGGTGCCCGCACGTCCGAGCTGGCCA[G>A]GTGGATGAGGTCTCCTGCAGACATGCGTGAGGTCAGTGCAGAGACAGGGAGGTAGAGGGA-3'
Protein context (NP_001009944.3, residues 2716-2736): ILNITGDLIH[Leu2726=]ASSDVRAPQP